The following is an entry in ClinVar:

NM_001855.5(COL15A1):c.2592G>A (p.Pro864=)

Gene: COL15A1 (collagen type XV alpha 1 chain; plus strand). Cytogenetic location: 9q22.33.
Variant type: single nucleotide variant.
Coding change: c.2592G>A on transcript NM_001855.5 (MANE Select); coding-DNA position 2592, G replaced by A.
Protein change: p.Pro864=; no amino-acid change (proline 864 retained).
Molecular consequence: synonymous variant.
Genome position (GRCh38, 1-based): chr9:99,044,585, G>A. VCF-style: chr9-99044585-G-A. GRCh37 (hg19) VCF-style: chr9-101806867-G-A.
Identifiers: ClinVar variation 2659349 (VCV002659349.24), dbSNP rs138283764, ClinGen allele CA5155490.
Genomic context (GRCh38, chr9:99,044,585, plus strand): 5'-AAGGAGGAGTCCTGACTTCATTGAGATGTTCTCTGAATTGCAGGGCGAGAAGGGAGAGCC[G>A]GGTGCCATCCTGACAGAGGACATTCCTCTGGAAAGGCTGATGGGGAAAAAGGTAATTATG-3'
Protein context (NP_001846.3, residues 854-874): LKGEQGEKGE[Pro864=]GAILTEDIPL

ClinVar aggregate classification (germline): Likely benign (1 of 4 stars; one submission).

Allele frequency attached by ClinVar (database versions not stated): ESP Exome Variant Server 0.00015; 1000 Genomes Project 30x 0.00016; TOPMed 0.00017; 1000 Genomes Project 0.00020; gnomAD 0.00034.
gnomAD v4.1: 277 of 1,614,082 alleles (0.017%); highest among the groups gnomAD compares: African/African-American, 0.02%; 1 homozygote.

Submission:

CeGaT Center for Human Genetics Tuebingen
Classification: Likely benign. Last evaluated: 2022-03-01. Review status: criteria provided, single submitter. Criteria: CeGaT Center For Human Genetics Tuebingen Variant Classification Criteria Version 2. Collection method: clinical testing. Allele origin: germline. Affected: yes. Observed: 1 variant allele.
Comment: COL15A1: BP4, BP7